The following is an entry in ClinVar:

NM_001378452.1(ITPR1):c.6568G>A (p.Gly2190Arg)

Gene: ITPR1 (inositol 1,4,5-trisphosphate receptor type 1; plus strand). Cytogenetic location: 3p26.1.
Variant type: single nucleotide variant.
Coding change: c.6568G>A on transcript NM_001378452.1 (MANE Select); coding-DNA position 6568, G replaced by A.
Protein change: p.Gly2190Arg; replaces glycine 2190 with arginine.
Molecular consequence: missense variant.
Genome position (GRCh38, 1-based): chr3:4,783,873, G>A. VCF-style: chr3-4783873-G-A. GRCh37 (hg19) VCF-style: chr3-4825557-G-A.
Other names: c.6424G>A, p.Gly2142Arg (NM_001099952.4); c.6523G>A, p.Gly2175Arg (NM_001168272.2); c.6379G>A, p.Gly2127Arg (NM_002222.7); short protein forms G2142R, G2127R, G2175R, G2190R.
Identifiers: ClinVar variation 1903558 (VCV001903558.5), dbSNP rs1308461210, ClinGen allele CA351640055.

ClinVar aggregate classification (germline): Uncertain significance (1 of 4 stars; one submission).

Allele frequency attached by ClinVar (database versions not stated): gnomAD 0.00001; gnomAD exomes 0.00001; TOPMed 0.00002.
gnomAD v4.1: 11 of 1,610,422 alleles (0.00068%); highest among the groups gnomAD compares: African/African-American, 0.0053%; no homozygotes.

Submission:

Labcorp Genetics (formerly Invitae), Labcorp
Classification: Uncertain significance. Last evaluated: 2024-01-11. Review status: criteria provided, single submitter. Criteria: Invitae Variant Classification Sherloc (09022015). Collection method: clinical testing. Allele origin: germline.
Comment: This sequence change replaces glycine, which is neutral and non-polar, with arginine, which is basic and polar, at codon 2127 of the ITPR1 protein (p.Gly2127Arg). The frequency data for this variant in the population databases is considered unreliable, as metrics indicate poor data quality at this position in the gnomAD database. This variant has not been reported in the literature in individuals affected with ITPR1-related conditions. ClinVar contains an entry for this variant (Variation ID: 1903558). Advanced modeling of protein sequence and biophysical properties (such as structural, functional, and spatial information, amino acid conservation, physicochemical variation, residue mobility, and thermodynamic stability) performed at Invitae indicates that this missense variant is not expected to disrupt ITPR1 protein function with a negative predictive value of 80%. In summary, the available evidence is currently insufficient to determine the role of this variant in disease. Therefore, it has been classified as a Variant of Uncertain Significance.